The following is an entry in ClinVar:

ClinVar aggregate classification (germline): Uncertain significance (1 of 4 stars; one submission).

Allele frequency attached by ClinVar (database versions not stated): gnomAD exomes below 0.00001.
gnomAD v4.1: 1 of 1,552,316 alleles (0.000064%); highest among the groups gnomAD compares: Non-Finnish European, 0.000087%; no homozygotes.

Submission:

Labcorp Genetics (formerly Invitae), Labcorp
Classification: Uncertain significance. Last evaluated: 2024-10-24. Review status: criteria provided, single submitter. Criteria: Invitae Variant Classification Sherloc (09022015). Collection method: clinical testing. Allele origin: germline.
Comment: This sequence change replaces proline, which is neutral and non-polar, with leucine, which is neutral and non-polar, at codon 527 of the LAMC3 protein (p.Pro527Leu). This variant is not present in population databases (gnomAD no frequency). This variant has not been reported in the literature in individuals affected with LAMC3-related conditions. ClinVar contains an entry for this variant (Variation ID: 2130583). An algorithm developed to predict the effect of missense changes on protein structure and function (PolyPhen-2) suggests that this variant is likely to be tolerated. In summary, the available evidence is currently insufficient to determine the role of this variant in disease. Therefore, it has been classified as a Variant of Uncertain Significance.

NM_006059.4(LAMC3):c.1580C>T (p.Pro527Leu)

Gene: LAMC3 (laminin subunit gamma 3; plus strand). Cytogenetic location: 9q34.12.
Variant type: single nucleotide variant.
Coding change: c.1580C>T on transcript NM_006059.4 (MANE Select); coding-DNA position 1580, C replaced by T.
Protein change: p.Pro527Leu; replaces proline 527 with leucine.
Molecular consequence: missense variant.
Genome position (GRCh38, 1-based): chr9:131,049,080, C>T. VCF-style: chr9-131049080-C-T. GRCh37 (hg19) VCF-style: chr9-133924467-C-T.
Other names: short protein forms P527L.
Identifiers: ClinVar variation 2130583 (VCV002130583.4), dbSNP rs565636247, ClinGen allele CA375263266.